The following is an entry in ClinVar:

ClinVar aggregate classification (germline): Uncertain significance (1 of 4 stars; one submission).

Conditions:
Weaver syndrome (WVS). Also called: Weaver Smith syndrome; Overgrowth syndrome with accelerated skeletal maturation, unusual facies, and camptodactyly. Identifiers: Orphanet 3447, MedGen C0265210, MONDO:0010193, OMIM 277590.

Submission:

Labcorp Genetics (formerly Invitae), Labcorp
Classification: Uncertain significance for Weaver syndrome. Last evaluated: 2018-08-28. Review status: criteria provided, single submitter. Criteria: Invitae Variant Classification Sherloc (09022015). Collection method: clinical testing. Allele origin: germline.
Comment: In summary, the available evidence is currently insufficient to determine the role of this variant in disease. Therefore, it has been classified as a Variant of Uncertain Significance. Algorithms developed to predict the effect of missense changes on protein structure and function (SIFT, PolyPhen-2, Align-GVGD) all suggest that this variant is likely to be tolerated, but these predictions have not been confirmed by published functional studies and their clinical significance is uncertain. This variant has not been reported in the literature in individuals with EZH2-related disease. This variant is not present in population databases (ExAC no frequency). This sequence change replaces aspartic acid with asparagine at codon 188 of the EZH2 protein (p.Asp188Asn). The aspartic acid residue is moderately conserved and there is a small physicochemical difference between aspartic acid and asparagine.

NM_004456.5(EZH2):c.562G>A (p.Asp188Asn)

Gene: EZH2 (enhancer of zeste 2 polycomb repressive complex 2 subunit; minus strand). Cytogenetic location: 7q36.1.
Variant type: single nucleotide variant.
Coding change: c.562G>A on transcript NM_004456.5 (MANE Select); coding-DNA position 562, G replaced by A.
Protein change: p.Asp188Asn; replaces aspartic acid 188 with asparagine.
Molecular consequence: missense variant.
Genome position (GRCh38, 1-based): chr7:148,828,803, C>T on the plus strand (G>A on the coding strand, the complement: EZH2 is on the minus strand). VCF-style: chr7-148828803-C-T. GRCh37 (hg19) VCF-style: chr7-148525895-C-T.
Other names: c.562G>A, p.Asp188Asn (NM_001203247.2); c.535G>A, p.Asp179Asn (NM_001203248.2, NM_001203249.2); c.445G>A, p.Asp149Asn (NM_152998.3); short protein forms D149N, D179N, D188N.
Identifiers: ClinVar variation 654557 (VCV000654557.9), dbSNP rs1585021829, ClinGen allele CA369720381.
Genomic context (GRCh38, chr7:148,828,803, plus strand): 5'-CTCGGTGATCCTCCAGATCTTTCTGCTTTTCTTCTCTTTCTTCAGGATCGTCTCCATCAT[C>T]ATCATCGTCATCATCATTATATTGACCAAGGGCATTCACCAACTCCACAAAAATTTCATC-3'
Protein context (NP_004447.2, residues 178-198): LGQYNDDDDD[Asp188Asn]DGDDPEEREE